The following is an entry in ClinVar:

NM_000273.3(GPR143):c.887G>A (p.Gly296Glu)

Gene: GPR143 (G protein-coupled receptor 143; minus strand). Cytogenetic location: Xp22.2.
Variant type: single nucleotide variant.
Coding change: c.887G>A on transcript NM_000273.3 (MANE Select); coding-DNA position 887, G replaced by A.
Protein change: p.Gly296Glu; replaces glycine 296 with glutamic acid.
Molecular consequence: missense variant.
Genome position (GRCh38, 1-based): chrX:9,739,718, C>T on the plus strand (G>A on the coding strand, the complement: GPR143 is on the minus strand). VCF-style: chrX-9739718-C-T. GRCh37 (hg19) VCF-style: chrX-9707758-C-T.
Other names: short protein forms G296E.
Identifiers: ClinVar variation 3641797 (VCV003641797.2).
Genomic context (GRCh38, chrX:9,739,718, plus strand): 5'-CATCCTGTCCAGCCGTAGAAGGCCAAAGACAAGAGAAATCCCTGGGCTGGATTCAGGATT[C>T]CCTGGAGAGAGGACAGAAAGACACATGGCAGTCAGTGCAGCGTAGCAGAAGTCAGAGCCC-3'
Protein context (NP_000264.2, residues 286-306): TAAKTTWFIM[Gly296Glu]ILNPAQGFLL

ClinVar aggregate classification (germline): Uncertain significance (1 of 4 stars; one submission).

Submission:

Labcorp Genetics (formerly Invitae), Labcorp
Classification: Uncertain significance. Last evaluated: 2024-02-24. Review status: criteria provided, single submitter. Criteria: Invitae Variant Classification Sherloc (09022015). Collection method: clinical testing. Allele origin: germline.
Comment: This sequence change replaces glycine, which is neutral and non-polar, with glutamic acid, which is acidic and polar, at codon 296 of the GPR143 protein (p.Gly296Glu). This variant is not present in population databases (gnomAD no frequency). This variant has not been reported in the literature in individuals affected with GPR143-related conditions. An algorithm developed to predict the effect of missense changes on protein structure and function (PolyPhen-2) suggests that this variant is likely to be disruptive. In summary, the available evidence is currently insufficient to determine the role of this variant in disease. Therefore, it has been classified as a Variant of Uncertain Significance.